The following is an entry in ClinVar:

ClinVar aggregate classification (germline): Conflicting classifications of pathogenicity. Review status: no assertion criteria provided (0 of 4 stars). 2 submissions from 2 submitters: Likely pathogenic (1); Likely benign (1). Last evaluated 2024-04-16.

Conditions:
NECTIN3-related disorder. Also called: NECTIN3-related condition.
Developmental cataract. Also called: Congenital cataracts; Congenital cataract; Bilateral cataracts. Identifiers: MedGen C0009691, HP:0000519.

Allele frequency attached by ClinVar (database versions not stated): gnomAD 0.00178; ExAC 0.00182; gnomAD exomes 0.00190; TOPMed 0.00234; 1000 Genomes Project 0.00060; 1000 Genomes Project 30x 0.00062; ESP Exome Variant Server 0.00300.
gnomAD v4.1: 4,555 of 1,612,538 alleles (0.28%); highest among the groups gnomAD compares: Non-Finnish European, 0.35%; 8 homozygotes.

Submissions (2):

PreventionGenetics, part of Exact Sciences
Classification: Likely benign for NECTIN3-related condition. Last evaluated: 2024-04-16. Review status: no assertion criteria provided. Collection method: clinical testing. Allele origin: germline.
Comment: This variant is classified as likely benign based on ACMG/AMP sequence variant interpretation guidelines (Richards et al. 2015 PMID: 25741868, with internal and published modifications).

Department of Ophthalmology, Flinders University
Classification: Likely pathogenic for Developmental cataract. Last evaluated: 2016-07-29. Review status: no assertion criteria provided. Collection method: clinical testing. Allele origin: inherited. Affected: yes.

NM_015480.3(NECTIN3):c.886A>C (p.Asn296His)

Gene: NECTIN3 (nectin cell adhesion molecule 3; plus strand). Cytogenetic location: 3q13.13.
Variant type: single nucleotide variant.
Coding change: c.886A>C on transcript NM_015480.3 (MANE Select); coding-DNA position 886, A replaced by C.
Protein change: p.Asn296His; replaces asparagine 296 with histidine.
Molecular consequence: missense variant.
Genome position (GRCh38, 1-based): chr3:111,122,207, A>C. VCF-style: chr3-111122207-A-C. GRCh37 (hg19) VCF-style: chr3-110841054-A-C.
Other names: c.886A>C, p.Asn296His (NM_001243286.2); c.817A>C, p.Asn273His (NM_001243288.2); c.886A>C (NM_015480.2); short protein forms N273H, N296H.
Identifiers: ClinVar variation 252951 (VCV000252951.2), dbSNP rs79006549, ClinGen allele CA2533828.